The following is an entry in ClinVar:

NM_000059.4(BRCA2):c.102A>G (p.Glu34=)

Gene: BRCA2 (BRCA2 DNA repair associated; plus strand). Cytogenetic location: 13q13.1.
Variant type: single nucleotide variant.
Coding change: c.102A>G on transcript NM_000059.4 (MANE Select); coding-DNA position 102, A replaced by G.
Protein change: p.Glu34=; no amino-acid change (glutamic acid 34 retained).
Molecular consequence: synonymous variant.
Genome position (GRCh38, 1-based): chr13:32,319,111, A>G. VCF-style: chr13-32319111-A-G. GRCh37 (hg19) VCF-style: chr13-32893248-A-G.
Identifiers: ClinVar variation 232243 (VCV000232243.26), dbSNP rs762819719, ClinGen allele CA6940323.

ClinVar aggregate classification (germline): Likely benign. Review status: reviewed by expert panel (3 of 4 stars). 7 submissions from 7 submitters: Likely benign (1). 6 of the submissions do not count toward it. Last evaluated 2017-06-29.

Conditions:
BRCA2-related cancer predisposition. Identifiers: MedGen CN377758, MONDO:0700269.
Hereditary cancer-predisposing syndrome. Also called: Hereditary Cancer Syndrome; Neoplastic Syndromes, Hereditary; Tumor predisposition; Hereditary neoplastic syndrome. Identifiers: Orphanet 140162, MedGen C0027672, MeSH D009386, MONDO:0015356.
Breast-ovarian cancer, familial, susceptibility to, 2 (BROVCA2). Also called: BRCA2 Hereditary Breast and Ovarian Cancer. Identifiers: Orphanet 145, MedGen C2675520, MONDO:0012933, OMIM 612555. Disease mechanism: loss of function.
Hereditary breast ovarian cancer syndrome. Also called: Hereditary breast and/or ovarian cancer syndrome; BRCA1- and BRCA2-Associated Hereditary Breast and Ovarian Cancer; Hereditary breast and ovarian cancer syndrome (HBOC); Hereditary breast and ovarian cancer; Hereditary breast and ovarian cancer syndrome; Breast and ovarian cancer. Identifiers: Orphanet 145, MedGen C0677776, MeSH D061325, MONDO:0003582. Disease mechanism: loss of function.

Allele frequency attached by ClinVar (database versions not stated): gnomAD exomes below 0.00001; ExAC 0.00001; TOPMed 0.00001.
gnomAD v4.1: 7 of 1,613,328 alleles (0.00043%); highest among the groups gnomAD compares: Non-Finnish European, 0.00051%; no homozygotes.

Submissions (7):

Evidence-based Network for the Interpretation of Germline Mutant Alleles (ENIGMA)
Classification: Likely benign for Breast-ovarian cancer, familial, susceptibility to, 2. Last evaluated: 2017-06-29. Review status: reviewed by expert panel. Criteria: ENIGMA BRCA1/2 Classification Criteria (2017-06-29). Collection method: curation. Allele origin: germline.
Comment: Synonymous substitution variant, with low bioinformatic likelihood to result in a splicing aberration (Splicing prior probability 0.02).

Labcorp Genetics (formerly Invitae), Labcorp
Classification: Likely benign for Hereditary breast ovarian cancer syndrome. Last evaluated: 2025-08-18. Review status: criteria provided, single submitter. Criteria: Invitae Variant Classification Sherloc (09022015). Collection method: clinical testing. Allele origin: germline. Not counted in ClinVar's aggregate classification.

All of Us Research Program, National Institutes of Health
Classification: Likely benign for BRCA2-related cancer predisposition. Last evaluated: 2024-07-29. Review status: criteria provided, single submitter. Criteria: ACMG Guidelines, 2015. Collection method: clinical testing. Allele origin: germline. Inheritance: Autosomal dominant inheritance. Observed: 3 variant alleles, 3 heterozygotes. Not counted in ClinVar's aggregate classification.
Comment: This study involves interpretation of variants in research participants for the purpose of population health screening. Participant phenotype was not available at the time of variant classification. Additional details can be found in publication PMID: 35346344, PMCID: PMC8962531

Quest Diagnostics Nichols Institute San Juan Capistrano
Classification: Likely benign. Last evaluated: 2023-07-03. Review status: criteria provided, single submitter. Criteria: Quest Diagnostics criteria. Collection method: clinical testing. Allele origin: unknown. Not counted in ClinVar's aggregate classification.

Ambry Genetics
Classification: Likely benign for Hereditary cancer-predisposing syndrome. Last evaluated: 2023-01-20. Review status: criteria provided, single submitter. Criteria: Ambry Variant Classification Scheme 2023. Collection method: clinical testing. Allele origin: germline. Not counted in ClinVar's aggregate classification.

GeneDx
Classification: Likely benign. Last evaluated: 2019-10-22. Review status: criteria provided, single submitter. Criteria: GeneDx Variant Classification Process June 2021. Collection method: clinical testing. Allele origin: germline. Affected: yes. Not counted in ClinVar's aggregate classification.
Comment: This variant is associated with the following publications: (PMID: 24312913, 23683081, 23961350)

Color Diagnostics, LLC DBA Color Health
Classification: Likely benign for Hereditary cancer-predisposing syndrome. Last evaluated: 2016-02-10. Review status: criteria provided, single submitter. Criteria: ACMG Guidelines, 2015. Collection method: clinical testing. Allele origin: germline. Not counted in ClinVar's aggregate classification.

Literature cited by the submitters: PubMed 32641407 (cited by Quest Diagnostics Nichols Institute San Juan Capistrano and Ambry Genetics).